The following is an entry in ClinVar:

NM_000540.3(RYR1):c.7006C>T (p.Arg2336Cys)

Gene: RYR1 (ryanodine receptor 1; plus strand). Cytogenetic location: 19q13.2.
Variant type: single nucleotide variant.
Coding change: c.7006C>T on transcript NM_000540.3 (MANE Select); coding-DNA position 7006, C replaced by T.
Protein change: p.Arg2336Cys; replaces arginine 2336 with cysteine.
Molecular consequence: missense variant.
Genome position (GRCh38, 1-based): chr19:38,499,222, C>T. VCF-style: chr19-38499222-C-T. GRCh37 (hg19) VCF-style: chr19-38989862-C-T.
Other names: c.7006C>T, p.Arg2336Cys (NM_001042723.2); c.7006C>T (NM_000540.2); short protein forms R2336C.
Identifiers: ClinVar variation 1516407 (VCV001516407.10), dbSNP rs1218605372, ClinGen allele CA405667453.

ClinVar aggregate classification (germline): Likely pathogenic. Review status: criteria provided, multiple submitters, no conflicts (2 of 4 stars). 3 submissions from 3 submitters: Likely pathogenic (3). Last evaluated 2026-03-28.

Conditions:
RYR1-related disorder. Also called: RYR1-related condition; RYR1-related disorders. Identifiers: MedGen CN239331.

Allele frequency attached by ClinVar (database versions not stated): gnomAD exomes below 0.00001; TOPMed below 0.00001.
gnomAD v4.1: 2 of 1,614,190 alleles (0.00012%); highest among the groups gnomAD compares: East Asian, 0.0022%; no homozygotes.

Submissions (3):

GeneDx
Classification: Likely pathogenic. Last evaluated: 2026-03-28. Review status: criteria provided, single submitter. Criteria: GeneDx Variant Classification Process June 2021. Collection method: clinical testing. Allele origin: germline.
Comment: Not observed at significant frequency in large population cohorts (gnomAD); In silico analysis supports that this missense variant has a deleterious effect on protein structure/function; This variant is associated with the following publications: (PMID: 30611313, 38162159, 12668474, 33767344, 23069638, 21062345)

Labcorp Genetics (formerly Invitae), Labcorp
Classification: Likely pathogenic for RYR1-related disorder. Last evaluated: 2024-05-22. Review status: criteria provided, single submitter. Criteria: Invitae Variant Classification Sherloc (09022015). Collection method: clinical testing. Allele origin: germline.
Comment: This sequence change replaces arginine, which is basic and polar, with cysteine, which is neutral and slightly polar, at codon 2336 of the RYR1 protein (p.Arg2336Cys). This variant is present in population databases (no rsID available, gnomAD 0.006%). This missense change has been observed in individual(s) with autosomal recessive congenital myopathy (PMID: 21062345). In at least one individual the data is consistent with being in trans (on the opposite chromosome) from a pathogenic variant. ClinVar contains an entry for this variant (Variation ID: 1516407). Advanced modeling of protein sequence and biophysical properties (such as structural, functional, and spatial information, amino acid conservation, physicochemical variation, residue mobility, and thermodynamic stability) performed at Invitae indicates that this missense variant is expected to disrupt RYR1 protein function with a positive predictive value of 95%. In summary, the currently available evidence indicates that the variant is pathogenic, but additional data are needed to prove that conclusively. Therefore, this variant has been classified as Likely Pathogenic.

Revvity Omics, Revvity
Classification: Likely pathogenic. Last evaluated: 2022-04-12. Review status: criteria provided, single submitter. Criteria: ACMG Guidelines, 2015. Collection method: clinical testing. Allele origin: germline.

Literature cited by the submitters: PubMed 21062345 (cited by Labcorp Genetics (formerly Invitae), Labcorp).